The following is an entry in ClinVar:

ClinVar aggregate classification (germline): Benign/Likely benign. Review status: criteria provided, multiple submitters, no conflicts (2 of 4 stars). 5 submissions from 5 submitters: Benign (3); Likely benign (1). 1 of the submissions does not count toward it. Last evaluated 2026-04-01.

Conditions:
LAMC3-related disorder. Also called: LAMC3-related condition.

Allele frequency attached by ClinVar (database versions not stated): ESP Exome Variant Server 0.00008; gnomAD 0.00057; TOPMed 0.00162; 1000 Genomes Project 30x 0.00203; 1000 Genomes Project 0.00240; gnomAD exomes 0.00246; ExAC 0.00267.
gnomAD v4.1: 1,177 of 1,612,490 alleles (0.073%); highest among the groups gnomAD compares: Admixed American, 1.1%; 12 homozygotes.

Submissions (5):

CeGaT Center for Human Genetics Tuebingen
Classification: Likely benign. Last evaluated: 2026-04-01. Review status: criteria provided, single submitter. Criteria: CeGaT Center For Human Genetics Tuebingen Variant Classification Criteria Version 2. Collection method: clinical testing. Allele origin: germline. Affected: yes. Observed: 2 variant alleles.
Comment: LAMC3: BP4, BP7, BS1

Labcorp Genetics (formerly Invitae), Labcorp
Classification: Benign. Last evaluated: 2026-01-27. Review status: criteria provided, single submitter. Criteria: Invitae Variant Classification Sherloc (09022015). Collection method: clinical testing. Allele origin: germline.

GeneDx
Classification: Benign. Last evaluated: 2017-06-09. Review status: criteria provided, single submitter. Criteria: GeneDx Variant Classification (06012015). Collection method: clinical testing. Allele origin: germline. Affected: yes.
Comment: This variant is considered likely benign or benign based on one or more of the following criteria: it is a conservative change, it occurs at a poorly conserved position in the protein, it is predicted to be benign by multiple in silico algorithms, and/or has population frequency not consistent with disease.

Breakthrough Genomics
Classification: Benign. Review status: criteria provided, single submitter. Criteria: ACMG Guidelines, 2015. Collection method: not provided. Allele origin: germline. Inheritance: Autosomal recessive inheritance. Affected: yes.

PreventionGenetics, part of Exact Sciences
Classification: Benign for LAMC3-related condition. Last evaluated: 2019-04-12. Review status: no assertion criteria provided. Collection method: clinical testing. Allele origin: germline. Not counted in ClinVar's aggregate classification.
Comment: This variant is classified as benign based on ACMG/AMP sequence variant interpretation guidelines (Richards et al. 2015 PMID: 25741868, with internal and published modifications).

NM_006059.4(LAMC3):c.4653C>T (p.Ala1551=)

Gene: LAMC3 (laminin subunit gamma 3; plus strand). Cytogenetic location: 9q34.12.
Variant type: single nucleotide variant.
Coding change: c.4653C>T on transcript NM_006059.4 (MANE Select); coding-DNA position 4653, C replaced by T.
Protein change: p.Ala1551=; no amino-acid change (alanine 1551 retained).
Molecular consequence: synonymous variant.
Genome position (GRCh38, 1-based): chr9:131,091,712, C>T. VCF-style: chr9-131091712-C-T. GRCh37 (hg19) VCF-style: chr9-133967099-C-T.
Identifiers: ClinVar variation 508999 (VCV000508999.25), dbSNP rs182704192, ClinGen allele CA5288241.